The following is an entry in ClinVar:

ClinVar aggregate classification (germline): Uncertain significance. Review status: criteria provided, single submitter (1 of 4 stars). 2 submissions from 2 submitters: Uncertain significance (1). 1 of the submissions does not count toward it. Last evaluated 2023-07-17.

Conditions:
Amelogenesis imperfecta (AI). Also called: Congenital enamel hypoplasia. Identifiers: Orphanet 88661, MedGen C0002452, MONDO:0019507, HP:0000705.
Deficiency of phosphoserine phosphatase (PSPHD). Also called: Phosphoserine phosphatase deficiency; PSPH deficiency. Identifiers: Orphanet 79350, MedGen C1291463, MONDO:0013531, OMIM 614023.

Allele frequency attached by ClinVar (database versions not stated): TOPMed 0.00002; gnomAD 0.00004; gnomAD exomes 0.00006 and 0.00007; ExAC 0.00010.

Submissions (2):

Labcorp Genetics (formerly Invitae), Labcorp
Classification: Uncertain significance for Deficiency of phosphoserine phosphatase. Last evaluated: 2023-07-17. Review status: criteria provided, single submitter. Criteria: Invitae Variant Classification Sherloc (09022015). Collection method: clinical testing. Allele origin: germline.
Comment: ClinVar contains an entry for this variant (Variation ID: 870149). This sequence change replaces asparagine, which is neutral and polar, with serine, which is neutral and polar, at codon 133 of the PSPH protein (p.Asn133Ser). This variant is present in population databases (rs148469975, gnomAD 0.01%). This variant has not been reported in the literature in individuals affected with PSPH-related conditions. An algorithm developed to predict the effect of missense changes on protein structure and function (PolyPhen-2) suggests that this variant¬†is likely to be tolerated. In summary, the available evidence is currently insufficient to determine the role of this variant in disease. Therefore, it has been classified as a Variant of Uncertain Significance.

Institute of Human Genetics, University of Ulm
Classification: Benign for Amelogenesis imperfecta. Last evaluated: 2019-04-10. Review status: no assertion criteria provided. Collection method: research. Allele origin: germline. Inheritance: Autosomal recessive inheritance. Affected: yes. Observed: 1 homozygote. Not counted in ClinVar's aggregate classification.

NM_004577.4(PSPH):c.398A>G (p.Asn133Ser)

Gene: PSPH (phosphoserine phosphatase; minus strand). Cytogenetic location: 7p11.2.
Variant type: single nucleotide variant.
Coding change: c.398A>G on transcript NM_004577.4 (MANE Select); coding-DNA position 398, A replaced by G.
Protein change: p.Asn133Ser; replaces asparagine 133 with serine.
Molecular consequence: missense variant.
Genome position (GRCh38, 1-based): chr7:56,017,257, T>C on the plus strand (A>G on the coding strand, the complement: PSPH is on the minus strand). VCF-style: chr7-56017257-T-C. GRCh37 (hg19) VCF-style: chr7-56084950-T-C.
Other names: c.398A>G, p.Asn133Ser (NM_001370512.1, NM_001370513.1, NM_001370514.1 and 17 more transcripts); short protein forms N133S.
Identifiers: ClinVar variation 870149 (VCV000870149.9), dbSNP rs148469975, ClinGen allele CA4268649.